The following is an entry in ClinVar:

NM_001849.4(COL6A2):c.1270-3C>T

Gene: COL6A2 (collagen type VI alpha 2 chain; plus strand). Cytogenetic location: 21q22.3.
Variant type: single nucleotide variant.
Coding change: c.1270-3C>T on transcript NM_001849.4 (MANE Select); 3 bases into the intron before coding-DNA position 1270, C replaced by T.
Molecular consequence: intron variant.
Genome position (GRCh38, 1-based): chr21:46,119,785, C>T. VCF-style: chr21-46119785-C-T. GRCh37 (hg19) VCF-style: chr21-47539699-C-T.
Other names: c.1270-3C>T (NM_058175.3, NM_058174.3).
Identifiers: ClinVar variation 1017572 (VCV001017572.13), dbSNP rs1488223613, ClinGen allele CA638185364.

ClinVar aggregate classification (germline): Uncertain significance. Review status: criteria provided, multiple submitters, no conflicts (2 of 4 stars). 3 submissions from 3 submitters: Uncertain significance (3). Last evaluated 2025-07-29.

Conditions:
Bethlem myopathy 1A. Also called: Bethlem Muscular Dystrophy; MYOPATHY, BENIGN CONGENITAL, WITH CONTRACTURES; Bethlem myopathy 1. Identifiers: Orphanet 610, MedGen CN029274, MONDO:0024530, OMIM 158810.

Allele frequency attached by ClinVar (database versions not stated): gnomAD exomes 0.00001 and 0.00008; TOPMed 0.00001; gnomAD 0.00002.
gnomAD v4.1: 110 of 1,559,388 alleles (0.0071%); highest among the groups gnomAD compares: Non-Finnish European, 0.0094%; no homozygotes.

Submissions (3):

Labcorp Genetics (formerly Invitae), Labcorp
Classification: Uncertain significance for Bethlem myopathy 1A. Last evaluated: 2025-07-29. Review status: criteria provided, single submitter. Criteria: Invitae Variant Classification Sherloc (09022015). Collection method: clinical testing. Allele origin: germline.
Comment: This sequence change falls in intron 14 of the COL6A2 gene. It does not directly change the encoded amino acid sequence of the COL6A2 protein. It affects a nucleotide within the consensus splice site. The frequency data for this variant in the population databases is considered unreliable, as metrics indicate poor data quality at this position in the gnomAD database. This variant has not been reported in the literature in individuals affected with COL6A2-related conditions. ClinVar contains an entry for this variant (Variation ID: 1017572). Variants that disrupt the consensus splice site are a relatively common cause of aberrant splicing (PMID: 17576681, 9536098). Algorithms developed to predict the effect of sequence changes on RNA splicing suggest that this variant is not likely to affect RNA splicing. In summary, the available evidence is currently insufficient to determine the role of this variant in disease. Therefore, it has been classified as a Variant of Uncertain Significance.

Women's Health and Genetics/Laboratory Corporation of America, LabCorp
Classification: Uncertain significance. Last evaluated: 2025-07-01. Review status: criteria provided, single submitter. Criteria: LabCorp Variant Classification Summary - May 2015. Collection method: clinical testing. Allele origin: germline.
Comment: Variant summary: COL6A2 c.1270-3C>T alters a conserved nucleotide located close to a canonical splice site and therefore could affect mRNA splicing, leading to a significantly altered protein sequence. Consensus agreement among computation tools predict no significant impact on normal splicing. However, these predictions have yet to be confirmed by functional studies. The variant allele was found at a frequency of 1.2e-05 in 167708 control chromosomes. The available data on variant occurrences in the general population are insufficient to allow any conclusion about variant significance. To our knowledge, no occurrence of c.1270-3C>T in individuals affected with Ullrich congenital muscular dystrophy 1-AR and no experimental evidence demonstrating its impact on protein function have been reported. ClinVar contains an entry for this variant (Variation ID: 1017572). Based on the evidence outlined above, the variant was classified as uncertain significance.

Revvity Omics, Revvity
Classification: Uncertain significance. Last evaluated: 2023-11-07. Review status: criteria provided, single submitter. Criteria: ACMG Guidelines, 2015. Collection method: clinical testing. Allele origin: germline.

Literature cited by the submitters: PubMed 17576681 (cited by Labcorp Genetics (formerly Invitae), Labcorp); PubMed 9536098 (cited by Labcorp Genetics (formerly Invitae), Labcorp).